The following is an entry in ClinVar:

ClinVar aggregate classification (germline): Pathogenic, low penetrance. Review status: criteria provided, single submitter (1 of 4 stars). 2 submissions from 2 submitters: Pathogenic, low penetrance (1). 1 of the submissions does not count toward it. Last evaluated 2025-10-02.

Conditions:
Hemolytic uremic syndrome, atypical, susceptibility to, 1. Also called: AHUS, SUSCEPTIBILITY TO, 1. Identifiers: Orphanet 2134, Orphanet 90038, MedGen C2749604, MONDO:0009335, OMIM 235400. Disease mechanism: Other.
Age related macular degeneration 4. Identifiers: MedGen C1853147, MONDO:0012540, OMIM 610698.

Submissions (2):

Genomenon, Inc
Classification: Pathogenic, low penetrance for Age related macular degeneration 4. Last evaluated: 2025-10-02. Review status: criteria provided, single submitter. Criteria: Genomenon Sequence Variant Interpretation Standards - Updated. Collection method: curation. Allele origin: germline. Affected: yes.
Comment: CFH p.Gln376Ter (c.1126C>T) is a nonsense variant that introduces a premature stop codon at amino acid position 376, creating a truncated protein that is predicted to undergo nonsense-mediated mRNA decay. This variant has been observed in at least one proband affected with age-related macular degeneration (PMID:34508573). It is absent or not present at a significant frequency in gnomAD. In conclusion, we classify CFH p.Gln376Ter (c.1126C>T) as a pathogenic, low penetrance variant.

Bioscientia Institut fuer Medizinische Diagnostik GmbH, Sonic Healthcare
Classification: Pathogenic for Hemolytic uremic syndrome, atypical, susceptibility to, 1. Last evaluated: 2018-09-28. Review status: no assertion criteria provided. Collection method: clinical testing. Allele origin: germline. Affected: yes. Not counted in ClinVar's aggregate classification.

Literature cited by the submitters: PubMed 34508573 (cited by Genomenon, Inc).

NM_000186.4(CFH):c.1126C>T (p.Gln376Ter)

Gene: CFH (complement factor H; plus strand). Cytogenetic location: 1q31.3.
Variant type: single nucleotide variant.
Coding change: c.1126C>T on transcript NM_000186.4 (MANE Select); coding-DNA position 1126, C replaced by T.
Protein change: p.Gln376Ter; replaces glutamine 376 with a stop codon.
Molecular consequence: nonsense.
Genome position (GRCh38, 1-based): chr1:196,689,581, C>T. VCF-style: chr1-196689581-C-T. GRCh37 (hg19) VCF-style: chr1-196658711-C-T.
Other names: c.1126C>T, p.Gln376Ter (NM_001014975.3); short protein forms Q376*.
Identifiers: ClinVar variation 635491 (VCV000635491.3), dbSNP rs1573026975, ClinGen allele CA343980186.